The following is an entry in ClinVar:

ClinVar aggregate classification (germline): Uncertain significance (1 of 4 stars; one submission).

Conditions:
Familial melanoma. Also called: Hereditary melanoma; Hereditary cutaneous melanoma. Identifiers: Orphanet 618, MedGen C1512419, MONDO:0018961.

Submission:

Labcorp Genetics (formerly Invitae), Labcorp
Classification: Uncertain significance for Familial melanoma. Last evaluated: 2024-05-06. Review status: criteria provided, single submitter. Criteria: Invitae Variant Classification Sherloc (09022015). Collection method: clinical testing. Allele origin: germline.
Comment: This sequence change replaces proline, which is neutral and non-polar, with alanine, which is neutral and non-polar, at codon 155 of the CDKN2A protein (p.Pro155Ala). This variant is not present in population databases (gnomAD no frequency). This variant has not been reported in the literature in individuals affected with CDKN2A-related conditions. ClinVar contains an entry for this variant (Variation ID: 406720). An algorithm developed to predict the effect of missense changes on protein structure and function (PolyPhen-2) suggests that this variant is likely to be tolerated. In summary, the available evidence is currently insufficient to determine the role of this variant in disease. Therefore, it has been classified as a Variant of Uncertain Significance.

NM_000077.5(CDKN2A):c.463C>G (p.Pro155Ala)

Gene: CDKN2A (cyclin dependent kinase inhibitor 2A; minus strand). Cytogenetic location: 9p21.3.
Variant type: single nucleotide variant.
Coding change: c.463C>G on transcript NM_000077.5; coding-DNA position 463, C replaced by G.
Protein change: p.Pro155Ala; replaces proline 155 with alanine.
Molecular consequence: missense variant (on NM_000077.6). On other transcripts: 3 prime UTR variant (3).
Genome position (GRCh38, 1-based): chr9:21,968,237, G>C on the plus strand (C>G on the coding strand, the complement: CDKN2A is on the minus strand). VCF-style: chr9-21968237-G-C. GRCh37 (hg19) VCF-style: chr9-21968236-G-C.
Other names: c.463C>G, p.Pro155Ala (NM_000077.6); c.*156C>G (NM_001195132.2); c.310C>G, p.Pro104Ala (NM_001363763.2); c.*107C>G (NM_058195.4); c.*386C>G (NM_058197.5); short protein forms P155A, P104A.
Identifiers: ClinVar variation 406720 (VCV000406720.8), dbSNP rs1060501271, ClinGen allele CA16612602.
Genomic context (GRCh38, chr9:21,968,237, plus strand): 5'-GGTGACTGATGATCTAAGTTTCCCGAGGTTTCTCAGAGCCTCTCTGGTTCTTTCAATCGG[G>C]GATGTCTGCAGAGGGCAGAAAGAAAACAGGCGTTAGAAACCTGAGGTCAAAGATGTGTGG-3'
Protein context (NP_000068.1, residues 145-156): IDAAEGPSDI[Pro155Ala]D